The following is an entry in ClinVar:

ClinVar aggregate classification (germline): Uncertain significance (1 of 4 stars; one submission).

Conditions:
Arrhythmogenic cardiomyopathy with wooly hair and keratoderma. Also called: PALMOPLANTAR KERATODERMA WITH LEFT VENTRICULAR CARDIOMYOPATHY AND WOOLLY HAIR; Carvajal syndrome; Dilated cardiomyopathy with woolly hair and keratoderma; Arrhythmogenic cardiomyopathy with woolly hair and keratoderma. Identifiers: Orphanet 65282, MedGen C1854063, MONDO:0011581, OMIM 605676.

Submission:

All of Us Research Program, National Institutes of Health
Classification: Uncertain significance for Arrhythmogenic cardiomyopathy with wooly hair and keratoderma. Last evaluated: 2023-05-31. Review status: criteria provided, single submitter. Criteria: ACMG Guidelines, 2015. Collection method: clinical testing. Allele origin: germline. Inheritance: Autosomal dominant inheritance. Observed: 1 variant allele, 1 heterozygote.
Comment: This study involves interpretation of variants in research participants for the purpose of population health screening. Participant phenotype was not available at the time of variant classification. Additional details can be found in publication PMID: 35346344, PMCID: PMC8962531

NM_004415.4(DSP):c.7420A>G (p.Asn2474Asp)

Gene: DSP (desmoplakin; plus strand). Cytogenetic location: 6p24.3.
Variant type: single nucleotide variant.
Coding change: c.7420A>G on transcript NM_004415.4 (MANE Select); coding-DNA position 7420, A replaced by G.
Protein change: p.Asn2474Asp; replaces asparagine 2474 with aspartic acid.
Molecular consequence: missense variant.
Genome position (GRCh38, 1-based): chr6:7,584,682, A>G. VCF-style: chr6-7584682-A-G. GRCh37 (hg19) VCF-style: chr6-7584915-A-G.
Other names: c.5623A>G, p.Asn1875Asp (NM_001008844.3); c.6091A>G, p.Asn2031Asp (NM_001319034.2); short protein forms N1875D, N2031D, N2474D.
Identifiers: ClinVar variation 3071166 (VCV003071166.1), dbSNP rs2533945789, ClinGen allele CA362692960.
Genomic context (GRCh38, chr6:7,584,682, plus strand): 5'-CAGACATCACAAAAGAATACCCTCAGGAAGCGTAGAGTGGTCATAGTTGACCCAGAAACC[A>G]ATAAAGAAATGTCTGTTCAGGAGGCCTACAAGAAGGGCCTAATTGATTATGAAACCTTCA-3'
Protein context (NP_004406.2, residues 2464-2484): RRVVIVDPET[Asn2474Asp]KEMSVQEAYK